The following is an entry in ClinVar:

NM_001127222.2(CACNA1A):c.4644G>T (p.Pro1548=)

Gene: CACNA1A (calcium voltage-gated channel subunit alpha1 A; minus strand). Cytogenetic location: 19p13.13.
Variant type: single nucleotide variant.
Coding change: c.4644G>T on transcript NM_001127222.2 (MANE Select); coding-DNA position 4644, G replaced by T.
Protein change: p.Pro1548=; no amino-acid change (proline 1548 retained).
Molecular consequence: synonymous variant.
Genome position (GRCh38, 1-based): chr19:13,255,206, C>A on the plus strand (G>T on the coding strand, the complement: CACNA1A is on the minus strand). VCF-style: chr19-13255206-C-A. GRCh37 (hg19) VCF-style: chr19-13366020-C-A.
Other names: c.4656G>T, p.Pro1552= (NM_000068.4, NM_023035.3); c.4647G>T, p.Pro1549= (NM_001127221.2, NM_001174080.2).
Identifiers: ClinVar variation 3571744 (VCV003571744.1).

ClinVar aggregate classification (germline): Uncertain significance (1 of 4 stars; one submission).

gnomAD v4.1: 2 of 1,611,804 alleles (0.00012%); highest among the groups gnomAD compares: Middle Eastern, 0.017%; no homozygotes.

Submission:

Athena Diagnostics
Classification: Uncertain significance. Last evaluated: 2024-03-12. Review status: criteria provided, single submitter. Criteria: Athena Diagnostics Criteria. Collection method: clinical testing. Allele origin: unknown.
Comment: Available data are insufficient to determine the clinical significance of the variant at this time. This variant has not been reported in large, multi-ethnic general populations. Computational tools yielded predictions that this variant is unlikely to have an effect on normal RNA splicing.